The following is an entry in ClinVar:

NM_000233.4(LHCGR):c.1057T>C (p.Cys353Arg)

Genes: LHCGR (luteinizing hormone/choriogonadotropin receptor; minus strand), STON1-GTF2A1L (STON1-GTF2A1L readthrough; plus strand). Cytogenetic location: 2p16.3.
Variant type: single nucleotide variant.
Coding change: c.1057T>C on transcript NM_000233.4 (MANE Select); coding-DNA position 1057, T replaced by C.
Protein change: p.Cys353Arg; replaces cysteine 353 with arginine.
Molecular consequence: missense variant. On other transcripts: intron variant (1).
Genome position (GRCh38, 1-based): chr2:48,688,740, A>G on the plus strand (T>C on the coding strand, the complement: LHCGR is on the minus strand). VCF-style: chr2-48688740-A-G. GRCh37 (hg19) VCF-style: chr2-48915879-A-G.
Other names: c.3441+17060A>G (NM_001198593.2); short protein forms C353R.
Identifiers: ClinVar variation 451878 (VCV000451878.2), dbSNP rs1261577764, ClinGen allele CA346749914.

ClinVar aggregate classification (germline): Uncertain significance (1 of 4 stars; one submission).

Allele frequency attached by ClinVar (database versions not stated): gnomAD exomes below 0.00001 and 0.00001.
gnomAD v4.1: 1 of 1,614,118 alleles (0.000062%); highest among the groups gnomAD compares: African/African-American, 0.0013%; no homozygotes.

Submission:

GeneDx
Classification: Uncertain significance. Last evaluated: 2017-09-12. Review status: criteria provided, single submitter. Criteria: GeneDx Variant Classification (06012015). Collection method: clinical testing. Allele origin: germline. Affected: yes.
Comment: The C353R variant has not been published as a pathogenic variant, nor has it been reported as a benign variant to our knowledge. The C353R variant is not observed in large population cohorts (Lek et al., 2016; 1000 Genomes Consortium et al., 2015; Exome Variant Server). The C353R variant is a non-conservative amino acid substitution, which is likely to impact secondary protein structure as these residues differ in polarity, charge, size and/or other properties. This substitution occurs at a position that is conserved across species and in silico analysis predicts this variant is probably damaging to the protein structure/function. A missense variant in a nearby residues (E354K) has been reported in the Human Gene Mutation Database in association with an LHCGR-related disorder (Stenson et al., 2014), supporting the functional importance of this region of the protein. In summary, based on the currently available information, it is unclear whether this variant is a pathogenic variant or a rare benign variant.